The following is an entry in ClinVar:

NM_004360.5(CDH1):c.*209C>T

Gene: CDH1 (cadherin 1; plus strand). Cytogenetic location: 16q22.1.
Variant type: single nucleotide variant.
Coding change: c.*209C>T on transcript NM_004360.5 (MANE Select); 209 bases downstream of the stop codon, C replaced by T.
Molecular consequence: 3 prime UTR variant.
Genome position (GRCh38, 1-based): chr16:68,833,708, C>T. VCF-style: chr16-68833708-C-T. GRCh37 (hg19) VCF-style: chr16-68867611-C-T.
Other names: c.*209C>T (LRG_301t1, NM_001317184.2, NM_001317185.2 and 1 more transcripts).
Identifiers: ClinVar variation 320272 (VCV000320272.5), dbSNP rs35942505, ClinGen allele CA10638241.

ClinVar aggregate classification (germline): Benign (1 of 4 stars; one submission).

Conditions:
Hereditary diffuse gastric adenocarcinoma (HDGC). Also called: DIFFUSE GASTRIC AND LOBULAR BREAST CANCER SYNDROME. Identifiers: Orphanet 26106, MedGen C1708349, MONDO:0007648, OMIM 137215.

Allele frequency attached by ClinVar (database versions not stated): gnomAD 0.00003 and 0.00007; TOPMed 0.00003; gnomAD exomes 0.00032; 1000 Genomes Project 0.00160.
gnomAD v4.1: 120 of 509,914 alleles (0.024%); highest among the groups gnomAD compares: East Asian, 0.39%; 1 homozygote.

Submission:

Illumina Laboratory Services, Illumina
Classification: Benign for Hereditary diffuse gastric adenocarcinoma. Last evaluated: 2018-01-12. Review status: criteria provided, single submitter. Criteria: ICSL Variant Classification Criteria 13 December 2019. Collection method: clinical testing. Allele origin: germline.
Comment: This variant was observed in the ICSL laboratory as part of a predisposition screen in an ostensibly healthy population. It had not been previously curated by ICSL or reported in the Human Gene Mutation Database (HGMD: prior to June 1st, 2018), and was therefore a candidate for classification through an automated scoring system. Utilizing variant allele frequency, disease prevalence and penetrance estimates, and inheritance mode, an automated score was calculated to assess if this variant is too frequent to cause the disease. Based on the score and internal cut-off values, a variant classified as benign is not then subjected to further curation. The score for this variant resulted in a classification of benign for this disease.